The following is an entry in ClinVar:

ClinVar aggregate classification (germline): Uncertain significance (1 of 4 stars; one submission).

Conditions:
Ehlers-Danlos syndrome, classic type, 1 (EDSCL1). Also called: EDS I; EHLERS-DANLOS SYNDROME, GRAVIS TYPE; EHLERS-DANLOS SYNDROME, SEVERE CLASSIC TYPE; Ehlers-Danlos Syndrome, Classic Type, COL5A1-Related; Ehlers-Danlos syndrome, type 1. Identifiers: MedGen C0268335, MONDO:0019567, OMIM 130000.

Allele frequency attached by ClinVar (database versions not stated): gnomAD exomes below 0.00001.
gnomAD v4.1: 1 of 1,614,052 alleles (0.000062%); highest among the groups gnomAD compares: South Asian, 0.0011%; no homozygotes.

Submission:

Labcorp Genetics (formerly Invitae), Labcorp
Classification: Uncertain significance for Ehlers-Danlos syndrome, classic type, 1. Last evaluated: 2018-12-20. Review status: criteria provided, single submitter. Criteria: Invitae Variant Classification Sherloc (09022015). Collection method: clinical testing. Allele origin: germline.
Comment: This sequence change replaces proline with serine at codon 958 of the COL5A2 protein (p.Pro958Ser). The proline residue is highly conserved and there is a moderate physicochemical difference between proline and serine. This variant is not present in population databases (ExAC no frequency). This variant has not been reported in the literature in individuals with COL5A2-related disease. Algorithms developed to predict the effect of missense changes on protein structure and function are either unavailable or do not agree on the potential impact of this missense change (SIFT: "Tolerated"; PolyPhen-2: "Not Available"; Align-GVGD: "Class C0"). In summary, the available evidence is currently insufficient to determine the role of this variant in disease. Therefore, it has been classified as a Variant of Uncertain Significance.

NM_000393.5(COL5A2):c.2872C>T (p.Pro958Ser)

Gene: COL5A2 (collagen type V alpha 2 chain; minus strand). Cytogenetic location: 2q32.2.
Variant type: single nucleotide variant.
Coding change: c.2872C>T on transcript NM_000393.5 (MANE Select); coding-DNA position 2872, C replaced by T.
Protein change: p.Pro958Ser; replaces proline 958 with serine.
Molecular consequence: missense variant.
Genome position (GRCh38, 1-based): chr2:189,051,379, G>A on the plus strand (C>T on the coding strand, the complement: COL5A2 is on the minus strand). VCF-style: chr2-189051379-G-A. GRCh37 (hg19) VCF-style: chr2-189916105-G-A.
Other names: short protein forms P958S.
Identifiers: ClinVar variation 650275 (VCV000650275.10), dbSNP rs957007431, ClinGen allele CA349867798.